The following is an entry in ClinVar:

NM_017721.5(CC2D1A):c.2811T>C (p.Tyr937=)

Gene: CC2D1A (coiled-coil and C2 domain containing 1A; plus strand). Cytogenetic location: 19p13.12.
Variant type: single nucleotide variant.
Coding change: c.2811T>C on transcript NM_017721.5 (MANE Select); coding-DNA position 2811, T replaced by C.
Protein change: p.Tyr937=; no amino-acid change (tyrosine 937 retained).
Molecular consequence: synonymous variant.
Genome position (GRCh38, 1-based): chr19:13,930,265, T>C. VCF-style: chr19-13930265-T-C. GRCh37 (hg19) VCF-style: chr19-14041078-T-C.
Other names: c.2808T>C, p.Tyr936= (NM_001411138.1).
Identifiers: ClinVar variation 2649408 (VCV002649408.24), dbSNP rs2513151905, ClinGen allele CA505683742.

ClinVar aggregate classification (germline): Likely benign (1 of 4 stars; one submission).

Submission:

CeGaT Center for Human Genetics Tuebingen
Classification: Likely benign. Last evaluated: 2022-07-01. Review status: criteria provided, single submitter. Criteria: CeGaT Center For Human Genetics Tuebingen Variant Classification Criteria Version 2. Collection method: clinical testing. Allele origin: germline. Affected: yes. Observed: 1 variant allele.
Comment: CC2D1A: PM2:Supporting, BP4, BP7